The following is an entry in ClinVar:

ClinVar aggregate classification (germline): Uncertain significance. Review status: criteria provided, multiple submitters, no conflicts (2 of 4 stars). 2 submissions from 2 submitters: Uncertain significance (2). Last evaluated 2022-03-20.

Conditions:
Distal hereditary motor neuropathy type 2. Identifiers: Orphanet 139525, MedGen C3711384, MeSH C580044, MONDO:0015352.

Allele frequency attached by ClinVar (database versions not stated): gnomAD exomes 0.00002.
gnomAD v4.1: 26 of 1,565,054 alleles (0.0017%); highest among the groups gnomAD compares: Admixed American, 0.0038%; no homozygotes.

Submissions (2):

Labcorp Genetics (formerly Invitae), Labcorp
Classification: Uncertain significance for Distal hereditary motor neuropathy type 2. Last evaluated: 2022-03-20. Review status: criteria provided, single submitter. Criteria: Invitae Variant Classification Sherloc (09022015). Collection method: clinical testing. Allele origin: germline.
Comment: This sequence change replaces glycine, which is neutral and non-polar, with arginine, which is basic and polar, at codon 2 of the FBXO38 protein (p.Gly2Arg). The frequency data for this variant in the population databases is considered unreliable, as metrics indicate poor data quality at this position in the gnomAD database. This variant has not been reported in the literature in individuals affected with FBXO38-related conditions. ClinVar contains an entry for this variant (Variation ID: 946497). Algorithms developed to predict the effect of missense changes on protein structure and function are either unavailable or do not agree on the potential impact of this missense change (SIFT: "Deleterious"; PolyPhen-2: "Probably Damaging"; Align-GVGD: "Class C0"). In summary, the available evidence is currently insufficient to determine the role of this variant in disease. Therefore, it has been classified as a Variant of Uncertain Significance.

Ambry Genetics
Classification: Uncertain significance. Last evaluated: 2021-07-23. Review status: criteria provided, single submitter. Criteria: Ambry Variant Classification Scheme 2023. Collection method: clinical testing. Allele origin: germline.
Comment: The p.G2R variant (also known as c.4G>A), located in coding exon 1 of the FBXO38 gene, results from a G to A substitution at nucleotide position 4. The glycine at codon 2 is replaced by arginine, an amino acid with dissimilar properties. This amino acid position is highly conserved in available vertebrate species. In addition, the in silico prediction for this alteration is inconclusive. Since supporting evidence is limited at this time, the clinical significance of this alteration remains unclear.

NM_205836.3(FBXO38):c.4G>A (p.Gly2Arg)

Gene: FBXO38 (F-box protein 38; plus strand). Cytogenetic location: 5q32.
Variant type: single nucleotide variant.
Coding change: c.4G>A on transcript NM_205836.3 (MANE Select); coding-DNA position 4, G replaced by A.
Protein change: p.Gly2Arg; replaces glycine 2 with arginine.
Molecular consequence: missense variant.
Genome position (GRCh38, 1-based): chr5:148,394,780, G>A. VCF-style: chr5-148394780-G-A. GRCh37 (hg19) VCF-style: chr5-147774343-G-A.
Other names: c.4G>A, p.Gly2Arg (NM_001271723.2, NM_030793.5); short protein forms G2R.
Identifiers: ClinVar variation 946497 (VCV000946497.13), dbSNP rs1272218730, ClinGen allele CA361653428.